The following is an entry in ClinVar:

NM_000426.4(LAMA2):c.1743C>A (p.Ser581Arg)

Gene: LAMA2 (laminin subunit alpha 2; plus strand). Cytogenetic location: 6q22.33.
Variant type: single nucleotide variant.
Coding change: c.1743C>A on transcript NM_000426.4 (MANE Select); coding-DNA position 1743, C replaced by A.
Protein change: p.Ser581Arg; replaces serine 581 with arginine.
Molecular consequence: missense variant.
Genome position (GRCh38, 1-based): chr6:129,192,814, C>A. VCF-style: chr6-129192814-C-A. GRCh37 (hg19) VCF-style: chr6-129513959-C-A.
Other names: c.1743C>A, p.Ser581Arg (NM_001079823.2); short protein forms S581R.
Identifiers: ClinVar variation 2414371 (VCV002414371.7), dbSNP rs774243931, ClinGen allele CA365608366.

ClinVar aggregate classification (germline): Uncertain significance (1 of 4 stars; one submission).

Conditions:
LAMA2-related muscular dystrophy (LAMA2-RD). Also called: Laminin alpha 2-related dystrophy. Identifiers: MedGen C5679788, MONDO:0100228.

Allele frequency attached by ClinVar (database versions not stated): gnomAD 0.00001; TOPMed 0.00001.
gnomAD v4.1: 2 of 1,614,068 alleles (0.00012%); highest among the groups gnomAD compares: African/African-American, 0.0027%; no homozygotes.

Submission:

Labcorp Genetics (formerly Invitae), Labcorp
Classification: Uncertain significance for LAMA2-related muscular dystrophy. Last evaluated: 2024-10-09. Review status: criteria provided, single submitter. Criteria: Invitae Variant Classification Sherloc (09022015). Collection method: clinical testing. Allele origin: germline.
Comment: This sequence change replaces serine, which is neutral and polar, with arginine, which is basic and polar, at codon 581 of the LAMA2 protein (p.Ser581Arg). This variant is present in population databases (no rsID available, gnomAD 0.01%). This variant has not been reported in the literature in individuals affected with LAMA2-related conditions. ClinVar contains an entry for this variant (Variation ID: 2414371). Invitae Evidence Modeling of protein sequence and biophysical properties (such as structural, functional, and spatial information, amino acid conservation, physicochemical variation, residue mobility, and thermodynamic stability) indicates that this missense variant is not expected to disrupt LAMA2 protein function with a negative predictive value of 95%. In summary, the available evidence is currently insufficient to determine the role of this variant in disease. Therefore, it has been classified as a Variant of Uncertain Significance.